The following is an entry in ClinVar:

ClinVar aggregate classification (germline): Uncertain significance (1 of 4 stars; one submission).

Conditions:
Inborn genetic diseases. Identifiers: MedGen C0950123, MeSH D030342.

Allele frequency attached by ClinVar (database versions not stated): gnomAD exomes below 0.00001; TOPMed below 0.00001; gnomAD 0.00001.

Submission:

Ambry Genetics
Classification: Uncertain significance for Inborn genetic diseases. Last evaluated: 2022-08-03. Review status: criteria provided, single submitter. Criteria: Ambry Variant Classification Scheme 2023. Collection method: clinical testing. Allele origin: germline.
Comment: The p.S1002L variant (also known as c.3005C>T), located in coding exon 22 of the LTBP3 gene, results from a C to T substitution at nucleotide position 3005. The serine at codon 1002 is replaced by leucine, an amino acid with dissimilar properties. This amino acid position is conserved. In addition, the in silico prediction for this alteration is inconclusive. Since supporting evidence is limited at this time, the clinical significance of this alteration remains unclear.

NM_001130144.3(LTBP3):c.3005C>T (p.Ser1002Leu)

Genes: LTBP3 (latent transforming growth factor beta binding protein 3; minus strand), LOC121832793 (Sharpr-MPRA regulatory region 4001; plus strand). Cytogenetic location: 11q13.1.
Variant type: single nucleotide variant.
Coding change: c.3005C>T on transcript NM_001130144.3 (MANE Select); coding-DNA position 3005, C replaced by T.
Protein change: p.Ser1002Leu; replaces serine 1002 with leucine.
Molecular consequence: missense variant.
Genome position (GRCh38, 1-based): chr11:65,540,587, G>A on the plus strand (C>T on the coding strand, the complement: LTBP3 is on the minus strand). VCF-style: chr11-65540587-G-A. GRCh37 (hg19) VCF-style: chr11-65308058-G-A.
Other names: c.2654C>T, p.Ser885Leu (NM_001164266.1); c.3005C>T, p.Ser1002Leu (NM_021070.4); short protein forms S1002L, S885L.
Identifiers: ClinVar variation 1798734 (VCV001798734.2), dbSNP rs1397150542, ClinGen allele CA381267877.